The following is an entry in ClinVar:

NM_001388492.1(HTT):c.7444A>G (p.Met2482Val)

Gene: HTT (huntingtin; plus strand). Cytogenetic location: 4p16.3.
Variant type: single nucleotide variant.
Coding change: c.7444A>G on transcript NM_001388492.1 (MANE Select); coding-DNA position 7444, A replaced by G.
Protein change: p.Met2482Val; replaces methionine 2482 with valine.
Molecular consequence: missense variant.
Genome position (GRCh38, 1-based): chr4:3,222,461, A>G. VCF-style: chr4-3222461-A-G. GRCh37 (hg19) VCF-style: chr4-3224188-A-G.
Other names: c.7450A>G, p.Met2484Val (NM_002111.8); short protein forms M2484V, M2482V.
Identifiers: ClinVar variation 1375378 (VCV001375378.6), dbSNP rs369228257, ClinGen allele CA2825360.

ClinVar aggregate classification (germline): Uncertain significance (1 of 4 stars; one submission).

Allele frequency attached by ClinVar (database versions not stated): 1000 Genomes Project 0.00040; 1000 Genomes Project 30x 0.00062.
gnomAD v4.1: 29 of 1,614,104 alleles (0.0018%); highest among the groups gnomAD compares: East Asian, 0.065%; no homozygotes.

Submission:

Labcorp Genetics (formerly Invitae), Labcorp
Classification: Uncertain significance. Last evaluated: 2022-12-06. Review status: criteria provided, single submitter. Criteria: Invitae Variant Classification Sherloc (09022015). Collection method: clinical testing. Allele origin: germline.
Comment: Experimental studies and prediction algorithms are not available or were not evaluated, and the functional significance of this variant is currently unknown. ClinVar contains an entry for this variant (Variation ID: 1375378). This variant has not been reported in the literature in individuals affected with HTT-related conditions. This variant is present in population databases (rs369228257, gnomAD 0.1%). This sequence change replaces methionine, which is neutral and non-polar, with valine, which is neutral and non-polar, at codon 2484 of the HTT protein (p.Met2484Val). In summary, the available evidence is currently insufficient to determine the role of this variant in disease. Therefore, it has been classified as a Variant of Uncertain Significance.